The following is an entry in ClinVar:

ClinVar aggregate classification (germline): Likely benign. Review status: criteria provided, multiple submitters, no conflicts (2 of 4 stars). 4 submissions from 4 submitters: Likely benign (4). Last evaluated 2026-02-01.

Conditions:
Inborn genetic diseases. Identifiers: MedGen C0950123, MeSH D030342.

Allele frequency attached by ClinVar (database versions not stated): gnomAD exomes 0.00004; ExAC 0.00005; ESP Exome Variant Server 0.00008; gnomAD 0.00009; TOPMed 0.00021.
gnomAD v4.1: 76 of 1,613,930 alleles (0.0047%); highest among the groups gnomAD compares: Admixed American, 0.027%; no homozygotes.

Submissions (4):

CeGaT Center for Human Genetics Tuebingen
Classification: Likely benign. Last evaluated: 2026-02-01. Review status: criteria provided, single submitter. Criteria: CeGaT Center For Human Genetics Tuebingen Variant Classification Criteria Version 2. Collection method: clinical testing. Allele origin: germline. Affected: yes. Observed: 1 variant allele.
Comment: ANK3: BP4, BP7

Ambry Genetics
Classification: Likely benign for Inborn genetic diseases. Last evaluated: 2024-11-26. Review status: criteria provided, single submitter. Criteria: Ambry Variant Classification Scheme 2023. Collection method: clinical testing. Allele origin: germline.

Labcorp Genetics (formerly Invitae), Labcorp
Classification: Likely benign. Last evaluated: 2024-06-26. Review status: criteria provided, single submitter. Criteria: Invitae Variant Classification Sherloc (09022015). Collection method: clinical testing. Allele origin: germline.

Blueprint Genetics
Classification: Likely benign. Last evaluated: 2021-04-26. Review status: criteria provided, single submitter. Criteria: ACMG Guidelines, 2015. Collection method: clinical testing. Allele origin: germline.

NM_020987.5(ANK3):c.639C>T (p.Asp213=)

Gene: ANK3 (ankyrin 3; minus strand). Cytogenetic location: 10q21.2.
Variant type: single nucleotide variant.
Coding change: c.639C>T on transcript NM_020987.5 (MANE Select); coding-DNA position 639, C replaced by T.
Protein change: p.Asp213=; no amino-acid change (aspartic acid 213 retained).
Molecular consequence: synonymous variant.
Genome position (GRCh38, 1-based): chr10:60,263,895, G>A on the plus strand (C>T on the coding strand, the complement: ANK3 is on the minus strand). VCF-style: chr10-60263895-G-A. GRCh37 (hg19) VCF-style: chr10-62023653-G-A.
Other names: c.621C>T, p.Asp207= (NM_001204403.2); c.588C>T, p.Asp196= (NM_001204404.2); c.639C>T, p.Asp213= (NM_001320874.2); c.639C>T (NM_020987.3).
Identifiers: ClinVar variation 2199650 (VCV002199650.10), dbSNP rs149088663, ClinGen allele CA5513367.